The following is an entry in ClinVar:

ClinVar aggregate classification (germline): Benign/Likely benign. Review status: criteria provided, multiple submitters, no conflicts (2 of 4 stars). 3 submissions from 3 submitters: Benign (1); Likely benign (2). Last evaluated 2026-07-17.

Conditions:
Rhabdoid tumor predisposition syndrome 2 (RTPS2). Identifiers: Orphanet 231108, Orphanet 69077, MedGen C2750074, MONDO:0013224, OMIM 613325.
Hereditary cancer-predisposing syndrome. Also called: Tumor predisposition; Neoplastic Syndromes, Hereditary; Hereditary Cancer Syndrome; Hereditary neoplastic syndrome. Identifiers: Orphanet 140162, MedGen C0027672, MeSH D009386, MONDO:0015356.

Allele frequency attached by ClinVar (database versions not stated): gnomAD exomes 0.00003 and 0.00001; TOPMed below 0.00001; gnomAD 0.00001.
gnomAD v4.1: 44 of 1,599,198 alleles (0.0028%); highest among the groups gnomAD compares: Non-Finnish European, 0.0038%; no homozygotes.

Submissions (3):

Myriad Genetics, Inc.
Classification: Benign for Rhabdoid tumor predisposition syndrome 2. Last evaluated: 2026-07-17. Review status: criteria provided, single submitter. Criteria: Myriad Autosomal Dominant, Autosomal Recessive and X-Linked Classification Criteria (2023). Collection method: clinical testing. Allele origin: unknown.
Comment: This variant is considered benign. This variant is a silent/synonymous amino acid change and it is not expected to impact splicing.

Labcorp Genetics (formerly Invitae), Labcorp
Classification: Likely benign for Rhabdoid tumor predisposition syndrome 2. Last evaluated: 2025-10-02. Review status: criteria provided, single submitter. Criteria: Invitae Variant Classification Sherloc (09022015). Collection method: clinical testing. Allele origin: germline.

Ambry Genetics
Classification: Likely benign for Hereditary cancer-predisposing syndrome. Last evaluated: 2015-07-01. Review status: criteria provided, single submitter. Criteria: Ambry Variant Classification Scheme 2023. Collection method: clinical testing. Allele origin: germline.

NM_003072.5(SMARCA4):c.4080G>A (p.Glu1360=)

Gene: SMARCA4 (SWI/SNF related BAF chromatin remodeling complex subunit ATPase 4; plus strand). Cytogenetic location: 19p13.2.
Variant type: single nucleotide variant.
Coding change: c.4080G>A on transcript NM_003072.5 (MANE Select); coding-DNA position 4080, G replaced by A.
Protein change: p.Glu1360=; no amino-acid change (glutamic acid 1360 retained).
Molecular consequence: synonymous variant. On other transcripts: non-coding transcript variant (1).
Genome position (GRCh38, 1-based): chr19:11,035,042, G>A. VCF-style: chr19-11035042-G-A. GRCh37 (hg19) VCF-style: chr19-11145718-G-A.
Other names: c.4080G>A, p.Glu1360= (NM_001128844.3, NM_001128849.3, NM_001387283.1); c.3981G>A, p.Glu1327= (NM_001128845.2, NM_001128846.2, NM_001128847.4 and 2 more transcripts).
Identifiers: ClinVar variation 470382 (VCV000470382.17), dbSNP rs1006792160, ClinGen allele CA305291517.
Genomic context (GRCh38, chr19:11,035,042, plus strand): 5'-GGACGAGCTCCCCTCGTGGATCATCAAGGACGACGCGGAGGTGGAGCGGCTGACCTGTGA[G>A]GAGGAGGAGGAGAAGATGTTCGGCCGTGGCTCCCGCCACCGCAAGGAGGTGGACTACAGC-3'
Protein context (NP_003063.2, residues 1350-1370): DDAEVERLTC[Glu1360=]EEEEKMFGRG